The following is an entry in ClinVar:

NM_000255.4(MMUT):c.1594C>T (p.Arg532Cys)

Gene: MMUT (methylmalonyl-CoA mutase; minus strand). Cytogenetic location: 6p12.3.
Variant type: single nucleotide variant.
Coding change: c.1594C>T on transcript NM_000255.4 (MANE Select); coding-DNA position 1594, C replaced by T.
Protein change: p.Arg532Cys; replaces arginine 532 with cysteine.
Molecular consequence: missense variant.
Genome position (GRCh38, 1-based): chr6:49,444,721, G>A on the plus strand (C>T on the coding strand, the complement: MMUT is on the minus strand). VCF-style: chr6-49444721-G-A. GRCh37 (hg19) VCF-style: chr6-49412434-G-A.
Other names: c.1594C>T (NM_000255.3); short protein forms R532C.
Identifiers: ClinVar variation 1449883 (VCV001449883.6), dbSNP rs764985110, ClinGen allele CA3846811.
Genomic context (GRCh38, chr6:49,444,721, plus strand): 5'-CAAGAGCCAGGATATTTCCATCTCCGCTAGCAGCACATTCGGTTAGTGCAGCAAGACAAC[G>A]TTCAGCCAAAGCTTGATCCCTGCTGGATTTGATCTATGGAAAAAGTCAAGGAAAGGGACA-3'
Protein context (NP_000246.2, residues 522-542): KSSRDQALAE[Arg532Cys]CLAALTECAA

ClinVar aggregate classification (germline): Uncertain significance. Review status: criteria provided, multiple submitters, no conflicts (2 of 4 stars). 2 submissions from 2 submitters: Uncertain significance (2). Last evaluated 2025-12-09.

Allele frequency attached by ClinVar (database versions not stated): gnomAD 0.00007; gnomAD exomes 0.00001 and 0.00002; TOPMed 0.00008; ExAC 0.00003.
gnomAD v4.1: 18 of 1,613,164 alleles (0.0011%); highest among the groups gnomAD compares: African/African-American, 0.015%; no homozygotes.

Submissions (2):

Ambry Genetics
Classification: Uncertain significance. Last evaluated: 2025-12-09. Review status: criteria provided, single submitter. Criteria: Ambry Variant Classification Scheme 2023. Collection method: clinical testing. Allele origin: germline.

Labcorp Genetics (formerly Invitae), Labcorp
Classification: Uncertain significance. Last evaluated: 2022-02-10. Review status: criteria provided, single submitter. Criteria: Invitae Variant Classification Sherloc (09022015). Collection method: clinical testing. Allele origin: germline.
Comment: This sequence change replaces arginine, which is basic and polar, with cysteine, which is neutral and slightly polar, at codon 532 of the MUT protein (p.Arg532Cys). This variant is present in population databases (rs764985110, gnomAD 0.01%). This variant has not been reported in the literature in individuals affected with MUT-related conditions. Algorithms developed to predict the effect of missense changes on protein structure and function are either unavailable or do not agree on the potential impact of this missense change (SIFT: "Deleterious"; PolyPhen-2: "Benign"; Align-GVGD: "Class C0"). In summary, the available evidence is currently insufficient to determine the role of this variant in disease. Therefore, it has been classified as a Variant of Uncertain Significance.